The following is an entry in ClinVar:

ClinVar aggregate classification (germline): Benign. Review status: criteria provided, multiple submitters, no conflicts (2 of 4 stars). 5 submissions from 5 submitters: Benign (5). Last evaluated 2026-02-04.

Conditions:
Pontocerebellar hypoplasia type 2E. Identifiers: Orphanet 247198, MedGen C4014488, MONDO:0014370, OMIM 615851.

Allele frequency attached by ClinVar (database versions not stated): ESP Exome Variant Server 0.62067; gnomAD 0.63097 and 0.63167; TOPMed 0.66106; 1000 Genomes Project 0.72664; 1000 Genomes Project 30x 0.73064.
gnomAD v4.1: 817,263 of 1,537,704 alleles (53%); highest among the groups gnomAD compares: African/African-American, 89%; 227,811 homozygotes.

Submissions (5):

Labcorp Genetics (formerly Invitae), Labcorp
Classification: Benign. Last evaluated: 2026-02-04. Review status: criteria provided, single submitter. Criteria: Invitae Variant Classification Sherloc (09022015). Collection method: clinical testing. Allele origin: germline.

Blueprint Genetics
Classification: Benign. Last evaluated: 2024-11-28. Review status: criteria provided, single submitter. Criteria: ACMG Guidelines, 2015. Collection method: clinical testing. Allele origin: germline.

Genome-Nilou Lab
Classification: Benign for Pontocerebellar hypoplasia type 2E. Last evaluated: 2021-07-14. Review status: criteria provided, single submitter. Criteria: ACMG Guidelines, 2015. Collection method: clinical testing. Allele origin: germline. Affected: no.

GeneDx
Classification: Benign. Last evaluated: 2016-01-08. Review status: criteria provided, single submitter. Criteria: GeneDx Variant Classification (06012015). Collection method: clinical testing. Allele origin: germline. Affected: yes.
Comment: This variant is considered likely benign or benign based on one or more of the following criteria: it is a conservative change, it occurs at a poorly conserved position in the protein, it is predicted to be benign by multiple in silico algorithms, and/or has population frequency not consistent with disease.

Breakthrough Genomics
Classification: Benign. Review status: criteria provided, single submitter. Criteria: ACMG Guidelines, 2015. Collection method: not provided. Allele origin: germline. Inheritance: Autosomal recessive inheritance. Affected: yes.

NM_001128159.3(VPS53):c.2328+15A>G

Gene: VPS53 (VPS53 subunit of GARP complex; minus strand). Cytogenetic location: 17p13.3.
Variant type: single nucleotide variant.
Coding change: c.2328+15A>G on transcript NM_001128159.3 (MANE Select); 15 bases into the intron after coding-DNA position 2328, A replaced by G.
Molecular consequence: intron variant.
Genome position (GRCh38, 1-based): chr17:519,811, T>C on the plus strand (A>G on the coding strand, the complement: VPS53 is on the minus strand). VCF-style: chr17-519811-T-C. GRCh37 (hg19) VCF-style: chr17-423051-T-C.
Identifiers: ClinVar variation 380879 (VCV000380879.15), dbSNP rs2034088, ClinGen allele CA8261147.
Genomic context (GRCh38, chr17:519,811, plus strand): 5'-TATCCCAATTCCCGGTTAAGAACCGCTGAGTGTGAGGGGGATGAGCAGGTGTGGACCAAA[T>C]GTCCCGGCACAAACCTTCATGTCCAGTATCTTCTGAAAGGTTTCTGTGTTGCAGTCTGTG-3'